The following is an entry in ClinVar:

NM_014780.5(CUL7):c.2074C>T (p.Gln692Ter)

Gene: CUL7 (cullin 7; minus strand). Cytogenetic location: 6p21.1.
Variant type: single nucleotide variant.
Coding change: c.2074C>T on transcript NM_014780.5 (MANE Select); coding-DNA position 2074, C replaced by T.
Protein change: p.Gln692Ter; replaces glutamine 692 with a stop codon.
Molecular consequence: nonsense.
Genome position (GRCh38, 1-based): chr6:43,048,243, G>A on the plus strand (C>T on the coding strand, the complement: CUL7 is on the minus strand). VCF-style: chr6-43048243-G-A. GRCh37 (hg19) VCF-style: chr6-43015981-G-A.
Other names: c.2170C>T, p.Gln724Ter (NM_001168370.2, NM_001374872.1); c.2074C>T, p.Gln692Ter (NM_001374873.1, NM_001374874.1); short protein forms Q692*, Q724*.
Identifiers: ClinVar variation 1069279 (VCV001069279.7), dbSNP rs2150328611, ClinGen allele CA364218642.

ClinVar aggregate classification (germline): Pathogenic (1 of 4 stars; one submission).

Submission:

Labcorp Genetics (formerly Invitae), Labcorp
Classification: Pathogenic. Last evaluated: 2021-06-24. Review status: criteria provided, single submitter. Criteria: Invitae Variant Classification Sherloc (09022015). Collection method: clinical testing. Allele origin: germline.
Comment: This variant is not present in population databases (ExAC no frequency). For these reasons, this variant has been classified as Pathogenic. Loss-of-function variants in CUL7 are known to be pathogenic (PMID: 16142236, 17675530, 19225462). This variant has not been reported in the literature in individuals with CUL7-related conditions. This sequence change creates a premature translational stop signal (p.Gln692*) in the CUL7 gene. It is expected to result in an absent or disrupted protein product.

Literature cited by the submitters: PubMed 16142236; PubMed 17675530; PubMed 19225462.